The following is an entry in ClinVar:

NM_000155.4(GALT):c.298C>G (p.Pro100Ala)

Gene: GALT (galactose-1-phosphate uridylyltransferase; plus strand). Cytogenetic location: 9p13.3.
Variant type: single nucleotide variant.
Coding change: c.298C>G on transcript NM_000155.4 (MANE Select); coding-DNA position 298, C replaced by G.
Protein change: p.Pro100Ala; replaces proline 100 with alanine.
Molecular consequence: missense variant. On other transcripts: intron variant (1).
Genome position (GRCh38, 1-based): chr9:34,647,537, C>G. VCF-style: chr9-34647537-C-G. GRCh37 (hg19) VCF-style: chr9-34647534-C-G.
Other names: c.50+279C>G (NM_001258332.2); short protein forms P100A.
Identifiers: ClinVar variation 2159307 (VCV002159307.4), dbSNP rs2492864204, ClinGen allele CA373279964.

ClinVar aggregate classification (germline): Uncertain significance (1 of 4 stars; one submission).

Conditions:
Deficiency of UDPglucose-hexose-1-phosphate uridylyltransferase. Also called: GALACTOSEMIA I; GALT deficiency; Galactosemia, classic; GALACTOSE-1-PHOSPHATE URIDYLYLTRANSFERASE DEFICIENCY; Transferase Deficiency Galactosemia. Identifiers: Orphanet 352, Orphanet 79239, MedGen C0268151, MONDO:0009258, OMIM 230400.

Submission:

Labcorp Genetics (formerly Invitae), Labcorp
Classification: Uncertain significance for Deficiency of UDPglucose-hexose-1-phosphate uridylyltransferase. Last evaluated: 2022-04-25. Review status: criteria provided, single submitter. Criteria: Invitae Variant Classification Sherloc (09022015). Collection method: clinical testing. Allele origin: germline.
Comment: This sequence change replaces proline, which is neutral and non-polar, with alanine, which is neutral and non-polar, at codon 100 of the GALT protein (p.Pro100Ala). This variant is not present in population databases (gnomAD no frequency). This variant has not been reported in the literature in individuals affected with GALT-related conditions. Advanced modeling of protein sequence and biophysical properties (such as structural, functional, and spatial information, amino acid conservation, physicochemical variation, residue mobility, and thermodynamic stability) performed at Invitae indicates that this missense variant is expected to disrupt GALT protein function. In summary, the available evidence is currently insufficient to determine the role of this variant in disease. Therefore, it has been classified as a Variant of Uncertain Significance.